The following is an entry in ClinVar:

ClinVar aggregate classification (germline): Uncertain significance. Review status: criteria provided, multiple submitters, no conflicts (2 of 4 stars). 2 submissions from 2 submitters: Uncertain significance (2). Last evaluated 2025-09-10.

Conditions:
Norman-Roberts syndrome (LIS2). Also called: Lissencephaly 2 (Norman-Roberts type). Identifiers: Orphanet 89844, MedGen C0796089, MONDO:0009760, OMIM 257320.

gnomAD v4.1: 7 of 1,613,946 alleles (0.00043%); highest among the groups gnomAD compares: Admixed American, 0.0017%; no homozygotes.

Submissions (2):

Genomic Medicine Center of Excellence, King Faisal Specialist Hospital and Research Centre
Classification: Uncertain significance for Norman-Roberts syndrome. Last evaluated: 2025-09-10. Review status: criteria provided, single submitter. Criteria: ACMG Guidelines, 2015. Collection method: clinical testing. Allele origin: germline.

CeGaT Center for Human Genetics Tuebingen
Classification: Uncertain significance. Last evaluated: 2025-05-01. Review status: criteria provided, single submitter. Criteria: CeGaT Center For Human Genetics Tuebingen Variant Classification Criteria Version 2. Collection method: clinical testing. Allele origin: germline. Affected: yes. Observed: 1 variant allele.
Comment: RELN: PM2

NM_005045.4(RELN):c.8767G>A (p.Glu2923Lys)

Genes: RELN (reelin; minus strand), SLC26A5-AS1 (SLC26A5 antisense RNA 1; plus strand). Cytogenetic location: 7q22.1.
Variant type: single nucleotide variant.
Coding change: c.8767G>A on transcript NM_005045.4 (MANE Select); coding-DNA position 8767, G replaced by A.
Protein change: p.Glu2923Lys; replaces glutamic acid 2923 with lysine.
Molecular consequence: missense variant.
Genome position (GRCh38, 1-based): chr7:103,498,153, C>T on the plus strand (G>A on the coding strand, the complement: RELN is on the minus strand). VCF-style: chr7-103498153-C-T. GRCh37 (hg19) VCF-style: chr7-103138600-C-T.
Other names: c.8767G>A, p.Glu2923Lys (NM_173054.3); c.8767G>A (NM_173054.2); short protein forms E2923K.
Identifiers: ClinVar variation 3905502 (VCV003905502.11).
Genomic context (GRCh38, chr7:103,498,153, plus strand): 5'-CCAAATCTTGTGTAACCGCTTGTCTCACAGTGGATCCCCCAAAATAGAGTGCAGTGTCCT[C>T]GGCAAGAATTCCACACTCAGTGCAAGTACTTCCACCTTCTAAGGACATCCATAAGTCAGG-3'
Protein context (NP_005036.2, residues 2913-2933): STCTECGILA[Glu2923Lys]DTALYFGGST